The following is an entry in ClinVar:

NM_001278064.2(GRM1):c.854G>A (p.Arg285Lys)

Gene: GRM1 (glutamate metabotropic receptor 1; plus strand). Cytogenetic location: 6q24.3.
Variant type: single nucleotide variant.
Coding change: c.854G>A on transcript NM_001278064.2 (MANE Select); coding-DNA position 854, G replaced by A.
Protein change: p.Arg285Lys; replaces arginine 285 with lysine.
Molecular consequence: missense variant.
Genome position (GRCh38, 1-based): chr6:146,159,501, G>A. VCF-style: chr6-146159501-G-A. GRCh37 (hg19) VCF-style: chr6-146480637-G-A.
Other names: p.Arg285Lys; c.854G>A, p.Arg285Lys (NM_001278065.2, NM_001278066.1, NM_001278067.1); short protein forms R285K.
Identifiers: ClinVar variation 786100 (VCV000786100.13), dbSNP rs7760248, ClinGen allele CA4037127.

ClinVar aggregate classification (germline): Conflicting classifications of pathogenicity. Review status: criteria provided, conflicting classifications (1 of 4 stars). 4 submissions from 4 submitters: Uncertain significance (1); Likely benign (2). 1 of the submissions does not count toward it. Last evaluated 2026-01-12.

Conditions:
GRM1-related disorder. Also called: GRM1-related condition.

Allele frequency attached by ClinVar (database versions not stated): ExAC 0.00058; gnomAD 0.00179 and 0.00195; 1000 Genomes Project 0.00200; 1000 Genomes Project 30x 0.00203; TOPMed 0.00218; ESP Exome Variant Server 0.00238; gnomAD exomes 0.00045.

Submissions (4):

Labcorp Genetics (formerly Invitae), Labcorp
Classification: Likely benign. Last evaluated: 2026-01-12. Review status: criteria provided, single submitter. Criteria: Invitae Variant Classification Sherloc (09022015). Collection method: clinical testing. Allele origin: germline.

Mayo Clinic Laboratories, Mayo Clinic
Classification: Uncertain significance. Last evaluated: 2025-11-20. Review status: criteria provided, single submitter. Criteria: ACMG Guidelines, 2015. Collection method: clinical testing. Allele origin: germline. Observed: 2 variant alleles.
Comment: BS1, PP3

Blueprint Genetics
Classification: Likely benign. Last evaluated: 2022-09-21. Review status: criteria provided, single submitter. Criteria: ACMG Guidelines, 2015. Collection method: clinical testing. Allele origin: germline.

PreventionGenetics, part of Exact Sciences
Classification: Likely benign for GRM1-related condition. Last evaluated: 2019-11-26. Review status: no assertion criteria provided. Collection method: clinical testing. Allele origin: germline. Not counted in ClinVar's aggregate classification.
Comment: This variant is classified as likely benign based on ACMG/AMP sequence variant interpretation guidelines (Richards et al. 2015 PMID: 25741868, with internal and published modifications).

Literature cited by the submitters: PubMed 40199824 (cited by Mayo Clinic Laboratories, Mayo Clinic).